The following is an entry in ClinVar:

NM_017433.5(MYO3A):c.480G>T (p.Thr160=)

Gene: MYO3A (myosin IIIA; plus strand). Cytogenetic location: 10p12.1.
Variant type: single nucleotide variant.
Coding change: c.480G>T on transcript NM_017433.5 (MANE Select); coding-DNA position 480, G replaced by T.
Protein change: p.Thr160=; no amino-acid change (threonine 160 retained).
Molecular consequence: synonymous variant.
Genome position (GRCh38, 1-based): chr10:25,997,230, G>T. VCF-style: chr10-25997230-G-T. GRCh37 (hg19) VCF-style: chr10-26286159-G-T.
Other names: p.Thr160=; c.480G>T, p.Thr160= (NM_001368265.1).
Identifiers: ClinVar variation 45817 (VCV000045817.20), dbSNP rs12257119, ClinGen allele CA137095.

ClinVar aggregate classification (germline): Benign. Review status: criteria provided, multiple submitters, no conflicts (2 of 4 stars). 7 submissions from 7 submitters: Benign (7). Last evaluated 2026-02-01.

Conditions:
Autosomal recessive nonsyndromic hearing loss 30. Identifiers: Orphanet 90636, MedGen C1846784, MONDO:0011774, OMIM 607101.

Allele frequency attached by ClinVar (database versions not stated): 1000 Genomes Project 0.09145; gnomAD 0.09365; 1000 Genomes Project 30x 0.09588; TOPMed 0.09944; ESP Exome Variant Server 0.10963.
gnomAD v4.1: 86,621 of 1,612,676 alleles (5.4%); highest among the groups gnomAD compares: African/African-American, 22%; 3,761 homozygotes.

Submissions (11):

Labcorp Genetics (formerly Invitae), Labcorp
Classification: Benign. Last evaluated: 2026-02-01. Review status: criteria provided, single submitter. Criteria: Invitae Variant Classification Sherloc (09022015). Collection method: clinical testing. Allele origin: germline.

Mayo Clinic Laboratories, Mayo Clinic
Classification: Benign. Last evaluated: 2021-02-19. Review status: criteria provided, single submitter. Criteria: ACMG Guidelines, 2015. Collection method: clinical testing. Allele origin: germline. Observed: 27 variant alleles.

Illumina Laboratory Services, Illumina
Classification: Benign for Autosomal recessive nonsyndromic hearing loss 30. Last evaluated: 2018-01-13. Review status: criteria provided, single submitter. Criteria: ICSL Variant Classification Criteria 13 December 2019. Collection method: clinical testing. Allele origin: germline.
Comment: This variant was observed in the ICSL laboratory as part of a predisposition screen in an ostensibly healthy population. It had not been previously curated by ICSL or reported in the Human Gene Mutation Database (HGMD: prior to June 1st, 2018), and was therefore a candidate for classification through an automated scoring system. Utilizing variant allele frequency, disease prevalence and penetrance estimates, and inheritance mode, an automated score was calculated to assess if this variant is too frequent to cause the disease. Based on the score and internal cut-off values, a variant classified as benign is not then subjected to further curation. The score for this variant resulted in a classification of benign for this disease.

GeneDx
Classification: Benign. Last evaluated: 2017-05-09. Review status: criteria provided, single submitter. Criteria: GeneDx Variant Classification (06012015). Collection method: clinical testing. Allele origin: germline. Affected: yes.
Comment: This variant is considered likely benign or benign based on one or more of the following criteria: it is a conservative change, it occurs at a poorly conserved position in the protein, it is predicted to be benign by multiple in silico algorithms, and/or has population frequency not consistent with disease.

Laboratory for Molecular Medicine, Mass General Brigham Personalized Medicine
Classification: Benign. Last evaluated: 2012-05-07. Review status: criteria provided, single submitter. Criteria: LMM Criteria. Collection method: clinical testing. Allele origin: germline. Observed: 180 variant alleles.
Comment: "Thr160Thr in Exon 06 of MYO3A: This variant is not expected to have clinical si gnificance because it does not alter an amino acid residue, is not located withi n the splice consensus sequence, and has been identified in 21.5% (802/3738) of African American chromosomes from a broad population by the NHLBI Exome Sequenci ng Project (dbSNP rs12257119)."

Breakthrough Genomics
Classification: Benign. Review status: criteria provided, single submitter. Criteria: ACMG Guidelines, 2015. Collection method: not provided. Allele origin: germline. Inheritance: Autosomal recessive inheritance. Affected: yes.

PreventionGenetics, part of Exact Sciences
Classification: Benign. Review status: criteria provided, single submitter. Criteria: ACMG Guidelines, 2015. Collection method: clinical testing. Allele origin: germline.

Dr. Peter K. Rogan Lab, Western University
No classification provided (evidence only). Condition: Colorectal cancer. Review status: no classification provided. Collection method: in vitro. Allele origin: not applicable. Functional consequence: retained intron. Not counted in ClinVar's aggregate classification.

Dr. Peter K. Rogan Lab, Western University
No classification provided (evidence only). Condition: Nonpapillary renal cell carcinoma. Review status: no classification provided. Collection method: in vitro. Allele origin: not applicable. Functional consequence: retained intron. Not counted in ClinVar's aggregate classification.

Dr. Peter K. Rogan Lab, Western University
No classification provided (evidence only). Condition: Cholangiocarcinoma. Review status: no classification provided. Collection method: in vitro. Allele origin: not applicable. Functional consequence: retained intron. Not counted in ClinVar's aggregate classification.

Dr. Peter K. Rogan Lab, Western University
No classification provided (evidence only). Condition: Cholangiocarcinoma. Review status: no classification provided. Collection method: in vitro. Allele origin: not applicable. Functional consequence: retained intron. Not counted in ClinVar's aggregate classification.